The following is an entry in ClinVar:

NM_002439.5(MSH3):c.2790G>A (p.Gly930=)

Gene: MSH3 (mutS homolog 3; plus strand). Cytogenetic location: 5q14.1.
Variant type: single nucleotide variant.
Coding change: c.2790G>A on transcript NM_002439.5 (MANE Select); coding-DNA position 2790, G replaced by A.
Protein change: p.Gly930=; no amino-acid change (glycine 930 retained).
Molecular consequence: synonymous variant.
Genome position (GRCh38, 1-based): chr5:80,813,718, G>A. VCF-style: chr5-80813718-G-A. GRCh37 (hg19) VCF-style: chr5-80109537-G-A.
Identifiers: ClinVar variation 757791 (VCV000757791.13), dbSNP rs1580066576, ClinGen allele CA445165284.

ClinVar aggregate classification (germline): Likely benign. Review status: criteria provided, multiple submitters, no conflicts (2 of 4 stars). 3 submissions from 3 submitters: Likely benign (2). 1 of the submissions does not count toward it. Last evaluated 2025-12-05.

Conditions:
MSH3-related disorder. Also called: MSH3-related condition.
Hereditary cancer-predisposing syndrome. Also called: Hereditary Cancer Syndrome; Hereditary neoplastic syndrome; Neoplastic Syndromes, Hereditary; Tumor predisposition. Identifiers: Orphanet 140162, MedGen C0027672, MeSH D009386, MONDO:0015356.

Allele frequency attached by ClinVar (database versions not stated): TOPMed below 0.00001; gnomAD 0.00001.
gnomAD v4.1: 4 of 1,614,058 alleles (0.00025%); highest among the groups gnomAD compares: African/African-American, 0.0013%; no homozygotes.

Submissions (3):

Labcorp Genetics (formerly Invitae), Labcorp
Classification: Likely benign. Last evaluated: 2025-12-05. Review status: criteria provided, single submitter. Criteria: Invitae Variant Classification Sherloc (09022015). Collection method: clinical testing. Allele origin: germline.

Ambry Genetics
Classification: Likely benign for Hereditary cancer-predisposing syndrome. Last evaluated: 2020-01-02. Review status: criteria provided, single submitter. Criteria: Ambry Variant Classification Scheme 2023. Collection method: clinical testing. Allele origin: germline.

PreventionGenetics, part of Exact Sciences
Classification: Likely benign for MSH3-related condition. Last evaluated: 2022-09-29. Review status: no assertion criteria provided. Collection method: clinical testing. Allele origin: germline. Not counted in ClinVar's aggregate classification.
Comment: This variant is classified as likely benign based on ACMG/AMP sequence variant interpretation guidelines (Richards et al. 2015 PMID: 25741868, with internal and published modifications).